The following is an entry in ClinVar:

ClinVar aggregate classification (germline): Uncertain significance (1 of 4 stars; one submission).

gnomAD v4.1: 1 of 1,614,020 alleles (0.000062%); highest among the groups gnomAD compares: Admixed American, 0.0017%; no homozygotes.

Submission:

CeGaT Center for Human Genetics Tuebingen
Classification: Uncertain significance. Last evaluated: 2024-06-01. Review status: criteria provided, single submitter. Criteria: CeGaT Center For Human Genetics Tuebingen Variant Classification Criteria Version 2. Collection method: clinical testing. Allele origin: germline. Affected: yes. Observed: 1 variant allele.
Comment: ARHGEF10: PM2

NM_014629.4(ARHGEF10):c.2482G>C (p.Ala828Pro)

Gene: ARHGEF10 (Rho guanine nucleotide exchange factor 10; plus strand). Cytogenetic location: 8p23.3.
Variant type: single nucleotide variant.
Coding change: c.2482G>C on transcript NM_014629.4 (MANE Select); coding-DNA position 2482, G replaced by C.
Protein change: p.Ala828Pro; replaces alanine 828 with proline.
Molecular consequence: missense variant.
Genome position (GRCh38, 1-based): chr8:1,923,868, G>C. VCF-style: chr8-1923868-G-C. GRCh37 (hg19) VCF-style: chr8-1872034-G-C.
Other names: c.2482G>C, p.Ala828Pro (NM_001308153.3); c.2368G>C, p.Ala790Pro (NM_001308152.2); short protein forms A790P, A828P, A852P.
Identifiers: ClinVar variation 3251165 (VCV003251165.18), dbSNP rs764702039.